The following is an entry in ClinVar:

NM_007348.4(ATF6):c.679C>T (p.Pro227Ser)

Gene: ATF6 (activating transcription factor 6; plus strand). Cytogenetic location: 1q23.3.
Variant type: single nucleotide variant.
Coding change: c.679C>T on transcript NM_007348.4 (MANE Select); coding-DNA position 679, C replaced by T.
Protein change: p.Pro227Ser; replaces proline 227 with serine.
Molecular consequence: missense variant.
Genome position (GRCh38, 1-based): chr1:161,792,318, C>T. VCF-style: chr1-161792318-C-T. GRCh37 (hg19) VCF-style: chr1-161762108-C-T.
Other names: short protein forms P227S.
Identifiers: ClinVar variation 936322 (VCV000936322.6), dbSNP rs1326423059, ClinGen allele CA343386866.

ClinVar aggregate classification (germline): Uncertain significance (1 of 4 stars; one submission).

Allele frequency attached by ClinVar (database versions not stated): gnomAD below 0.00001 and 0.00001; gnomAD exomes below 0.00001.

Submission:

Labcorp Genetics (formerly Invitae), Labcorp
Classification: Uncertain significance. Last evaluated: 2022-01-21. Review status: criteria provided, single submitter. Criteria: Invitae Variant Classification Sherloc (09022015). Collection method: clinical testing. Allele origin: germline.
Comment: This variant has not been reported in the literature in individuals affected with ATF6-related conditions. In summary, the available evidence is currently insufficient to determine the role of this variant in disease. Therefore, it has been classified as a Variant of Uncertain Significance. Algorithms developed to predict the effect of missense changes on protein structure and function are either unavailable or do not agree on the potential impact of this missense change (SIFT: "Tolerated"; PolyPhen-2: "Probably Damaging"; Align-GVGD: "Class C0"). ClinVar contains an entry for this variant (Variation ID: 936322). This variant is present in population databases (no rsID available, gnomAD 0.003%). This sequence change replaces proline, which is neutral and non-polar, with serine, which is neutral and polar, at codon 227 of the ATF6 protein (p.Pro227Ser).